The following is an entry in ClinVar:

ClinVar aggregate classification (germline): Uncertain significance (1 of 4 stars; one submission).

Conditions:
Familial adenomatous polyposis 1 (FAP1). Also called: FAMILIAL ADENOMATOUS POLYPOSIS 1, ATTENUATED; POLYPOSIS, ADENOMATOUS INTESTINAL. Identifiers: MedGen C2713442, MONDO:0021056, OMIM 175100. Disease mechanism: loss of function.

gnomAD v4.1: 1 of 622,140 alleles (0.00016%); highest among the groups gnomAD compares: Non-Finnish European, 0.00026%; no homozygotes.

Submission:

Labcorp Genetics (formerly Invitae), Labcorp
Classification: Uncertain significance for Familial adenomatous polyposis 1. Last evaluated: 2021-02-13. Review status: criteria provided, single submitter. Criteria: Invitae Variant Classification Sherloc (09022015). Collection method: clinical testing. Allele origin: germline.
Comment: This variant has not been reported in the literature in individuals with APC-related conditions. In summary, the available evidence is currently insufficient to determine the role of this variant in disease. Therefore, it has been classified as a Variant of Uncertain Significance. Experimental studies and prediction algorithms are not available or were not evaluated, and the functional significance of this variant is currently unknown. The frequency data for this variant in the population databases is considered unreliable, as metrics indicate insufficient coverage at this position in the ExAC database. This variant occurs in a non-coding region of the APC gene. It does not change the encoded amino acid sequence of the APC protein.

NM_001127511.3(APC):c.-161T>C

Gene: APC (APC regulator of Wnt signaling pathway; plus strand). Cytogenetic location: 5q22.2.
Variant type: single nucleotide variant.
Coding change: c.-161T>C on transcript NM_001127511.3; 161 bases upstream of the start codon, T replaced by C.
Molecular consequence: 5 prime UTR variant. On other transcripts: non-coding transcript variant (2).
Genome position (GRCh38, 1-based): chr5:112,707,557, T>C. VCF-style: chr5-112707557-T-C. GRCh37 (hg19) VCF-style: chr5-112043254-T-C.
Other names: c.-344T>C (NM_001354895.2, NM_001407447.1, NM_001407452.1 and 3 more transcripts); c.-161T>C (NM_001354897.2, NM_001354902.2, NM_001407446.1); c.-111T>C (NM_001407448.1, NM_001407450.1, NM_001407457.1 and 1 more transcripts); c.-135T>C (NM_001407453.1); c.-1379T>C (NM_001407470.1, NM_001407472.1).
Identifiers: ClinVar variation 1508350 (VCV001508350.6), dbSNP rs2149629365, ClinGen allele CA2573138776.